The following is an entry in ClinVar:

ClinVar aggregate classification (germline): Pathogenic (1 of 4 stars; one submission).

Submission:

Labcorp Genetics (formerly Invitae), Labcorp
Classification: Pathogenic. Last evaluated: 2022-06-12. Review status: criteria provided, single submitter. Criteria: Invitae Variant Classification Sherloc (09022015). Collection method: clinical testing. Allele origin: germline.
Comment: For these reasons, this variant has been classified as Pathogenic. This variant has not been reported in the literature in individuals affected with COL2A1-related conditions. This variant is not present in population databases (gnomAD no frequency). This sequence change creates a premature translational stop signal (p.Ser734Leufs*54) in the COL2A1 gene. It is expected to result in an absent or disrupted protein product. Loss-of-function variants in COL2A1 are known to be pathogenic (PMID: 20179744).

Literature cited by the submitters: PubMed 20179744.

NM_001844.5(COL2A1):c.2200del (p.Ser734fs)

Gene: COL2A1 (collagen type II alpha 1 chain; minus strand). Cytogenetic location: 12q13.11.
Variant type: Deletion.
Coding change: c.2200del on transcript NM_001844.5 (MANE Select); coding-DNA position 2200, one base deleted (T; older notation c.2200delT).
Protein change: p.Ser734fs; shifts the reading frame from serine 734.
Molecular consequence: frameshift variant.
Genome position (GRCh38, 1-based): chr12:47,982,603, A deleted on the plus strand (T on the coding strand, the reverse complement: COL2A1 is on the minus strand). VCF-style (leftmost placement, unchanged base first): chr12-47982602-GA-G. GRCh37 (hg19) VCF-style: chr12-48376385-GA-G.
Other names: c.1993del, p.Ser665fs (NM_033150.3); short protein forms S734fs, S665fs.
Identifiers: ClinVar variation 2125721 (VCV002125721.4), dbSNP rs2540134393, ClinGen allele CA2580085589.